The following is an entry in ClinVar:

NM_001365276.2(TNXB):c.889T>C (p.Cys297Arg)

Gene: TNXB (tenascin XB; minus strand). Cytogenetic location: 6p21.33.
Variant type: single nucleotide variant.
Coding change: c.889T>C on transcript NM_001365276.2 (MANE Select); coding-DNA position 889, T replaced by C.
Protein change: p.Cys297Arg; replaces cysteine 297 with arginine.
Molecular consequence: missense variant.
Genome position (GRCh38, 1-based): chr6:32,096,964, A>G on the plus strand (T>C on the coding strand, the complement: TNXB is on the minus strand). VCF-style: chr6-32096964-A-G. GRCh37 (hg19) VCF-style: chr6-32064741-A-G.
Other names: c.889T>C, p.Cys297Arg (NM_001428335.1, NM_019105.8); short protein forms C297R.
Identifiers: ClinVar variation 3809327 (VCV003809327.1).

ClinVar aggregate classification (germline): Uncertain significance (1 of 4 stars; one submission).

Conditions:
Cardiovascular phenotype. Identifiers: MedGen CN230736.

Submission:

Ambry Genetics
Classification: Uncertain significance for Cardiovascular phenotype. Last evaluated: 2025-01-06. Review status: criteria provided, single submitter. Criteria: Ambry Variant Classification Scheme 2023. Collection method: clinical testing. Allele origin: germline.
Comment: The p.C297R variant (also known as c.889T>C), located in coding exon 2 of the TNXB gene, results from a T to C substitution at nucleotide position 889. The cysteine at codon 297 is replaced by arginine, an amino acid with highly dissimilar properties. This amino acid position is conserved. In addition, this alteration is predicted to be deleterious by in silico analysis. Based on the available evidence, the clinical significance of this variant remains unclear.